The following is an entry in ClinVar:

ClinVar aggregate classification (germline): Likely pathogenic (1 of 4 stars; one submission).

Conditions:
Enhanced S-cone syndrome (ESCS). Identifiers: Orphanet 53540, MedGen C1849394, MONDO:0100288, MONDO:0009989.

Submission:

Natera, Inc.
Classification: Likely pathogenic for Enhanced S cone syndrome. Last evaluated: 2025-04-04. Review status: criteria provided, single submitter. Criteria: Natera Variant Classification Schema (03/2026). Collection method: clinical testing. Allele origin: germline.
Comment: The c.198_202dup variant in NR2E3 is a frameshift variant predicted to shift the reading frame beginning at codon 68 and leads to a stop codon 40 codons downstream. This variant is expected to result in nonsense mediated decay, truncation, or a dysfunctional protein product. This variant is rare in the general population with a frequency below the threshold expected for the associated phenotype(s). Given the available evidence, this variant is classified as Likely Pathogenic.

NM_014249.4(NR2E3):c.198_202dup (p.Ser68fs)

Gene: NR2E3 (nuclear receptor subfamily 2 group E member 3; plus strand). Cytogenetic location: 15q23.
Variant type: Duplication.
Coding change: c.198_202dup on transcript NM_014249.4 (MANE Select); coding-DNA positions 198 to 202, 5 bases duplicated (CTGCA; older notation c.198_202dupCTGCA).
Protein change: p.Ser68fs; shifts the reading frame from serine 68.
Molecular consequence: frameshift variant.
Genome position (GRCh38, 1-based): chr15:71,811,562-71,811,566, CTGCA duplicated. VCF-style (leftmost placement, unchanged base first): chr15-71811561-G-GCTGCA. GRCh37 (hg19) VCF-style: chr15-72103901-G-GCTGCA.
Other names: c.198_202dup, p.Ser68fs (NM_016346.4); short protein forms S68fs.
Identifiers: ClinVar variation 4059109 (VCV004059109.2).